The following is an entry in ClinVar:

ClinVar aggregate classification (germline): Uncertain significance. Review status: criteria provided, multiple submitters, no conflicts (2 of 4 stars). 2 submissions from 2 submitters: Uncertain significance (2). Last evaluated 2026-07-01.

Conditions:
Neurofibromatosis, type 1 (NF1). Also called: VON RECKLINGHAUSEN DISEASE; Neurofibromatosis, type I; Peripheral type neurofibromatosis; NEUROFIBROMATOSIS, TYPE I, SOMATIC. Identifiers: Orphanet 636, MedGen C0027831, MONDO:0018975, OMIM 162200. Disease mechanism: loss of function.
Hereditary cancer-predisposing syndrome. Also called: Neoplastic Syndromes, Hereditary; Hereditary Cancer Syndrome; Hereditary neoplastic syndrome; Tumor predisposition. Identifiers: Orphanet 140162, MedGen C0027672, MeSH D009386, MONDO:0015356.
Cardiovascular phenotype. Identifiers: MedGen CN230736.

Allele frequency attached by ClinVar (database versions not stated): TOPMed below 0.00001; gnomAD 0.00001.
gnomAD v4.1: 1 of 1,613,642 alleles (0.000062%); highest among the groups gnomAD compares: Non-Finnish European, 0.000085%; no homozygotes.

Submissions (2):

Ambry Genetics
Classification: Uncertain significance for Cardiovascular phenotype; Hereditary cancer-predisposing syndrome. Last evaluated: 2026-07-01. Review status: criteria provided, single submitter. Criteria: Ambry Variant Classification Scheme 2023. Collection method: clinical testing. Allele origin: germline.
Comment: The p.R1937L variant (also known as c.5810G>T), located in coding exon 39 of the NF1 gene, results from a G to T substitution at nucleotide position 5810. The arginine at codon 1937 is replaced by leucine, an amino acid with dissimilar properties. This amino acid position is conserved. In addition, this alteration is predicted to be deleterious by in silico analysis. Based on the available evidence, the clinical significance of this variant remains unclear.

Labcorp Genetics (formerly Invitae), Labcorp
Classification: Uncertain significance for Neurofibromatosis, type 1. Last evaluated: 2018-08-22. Review status: criteria provided, single submitter. Criteria: Invitae Variant Classification Sherloc (09022015). Collection method: clinical testing. Allele origin: germline.
Comment: In summary, the available evidence is currently insufficient to determine the role of this variant in disease. Therefore, it has been classified as a Variant of Uncertain Significance. This sequence change replaces arginine with leucine at codon 1937 of the NF1 protein (p.Arg1937Leu). The arginine residue is moderately conserved and there is a moderate physicochemical difference between arginine and leucine. This variant is not present in population databases (ExAC no frequency). This variant has not been reported in the literature in individuals with NF1-related disease. Algorithms developed to predict the effect of missense changes on protein structure and function are either unavailable or do not agree on the potential impact of this missense change (SIFT: "Deleterious"; PolyPhen-2: "Probably Damaging"; Align-GVGD: "Class C0").

NM_001042492.3(NF1):c.5873G>T (p.Arg1958Leu)

Gene: NF1 (neurofibromin 1; plus strand). Cytogenetic location: 17q11.2.
Variant type: single nucleotide variant.
Coding change: c.5873G>T on transcript NM_001042492.3 (MANE Select); coding-DNA position 5873, G replaced by T.
Protein change: p.Arg1958Leu; replaces arginine 1958 with leucine.
Molecular consequence: missense variant.
Genome position (GRCh38, 1-based): chr17:31,334,898, G>T. VCF-style: chr17-31334898-G-T. GRCh37 (hg19) VCF-style: chr17-29661916-G-T.
Other names: c.5810G>T, p.Arg1937Leu (NM_000267.4); short protein forms R1937L, R1958L.
Identifiers: ClinVar variation 644154 (VCV000644154.6), dbSNP rs1296862549, ClinGen allele CA399010685.